The following is an entry in ClinVar:

NM_021072.4(HCN1):c.1595T>C (p.Leu532Pro)

Gene: HCN1 (hyperpolarization activated cyclic nucleotide gated potassium channel 1; minus strand). Cytogenetic location: 5p12.
Variant type: single nucleotide variant.
Coding change: c.1595T>C on transcript NM_021072.4 (MANE Select); coding-DNA position 1595, T replaced by C.
Protein change: p.Leu532Pro; replaces leucine 532 with proline.
Molecular consequence: missense variant.
Genome position (GRCh38, 1-based): chr5:45,303,622, A>G on the plus strand (T>C on the coding strand, the complement: HCN1 is on the minus strand). VCF-style: chr5-45303622-A-G. GRCh37 (hg19) VCF-style: chr5-45303724-A-G.
Other names: short protein forms L532P.
Identifiers: ClinVar variation 3764175 (VCV003764175.1).

ClinVar aggregate classification (germline): Uncertain significance (1 of 4 stars; one submission).

Submission:

GeneDx
Classification: Uncertain significance. Last evaluated: 2024-08-23. Review status: criteria provided, single submitter. Criteria: GeneDx Variant Classification Process June 2021. Collection method: clinical testing. Allele origin: germline. Affected: yes.
Comment: Not observed at significant frequency in large population cohorts (gnomAD); In silico analysis supports that this missense variant has a deleterious effect on protein structure/function; Has not been previously published as pathogenic or benign to our knowledge